The following is an entry in ClinVar:

NM_000179.3(MSH6):c.3331A>G (p.Asn1111Asp)

Gene: MSH6 (mutS homolog 6; plus strand). Cytogenetic location: 2p16.3.
Variant type: single nucleotide variant.
Coding change: c.3331A>G on transcript NM_000179.3 (MANE Select); coding-DNA position 3331, A replaced by G.
Protein change: p.Asn1111Asp; replaces asparagine 1111 with aspartic acid.
Molecular consequence: missense variant. On other transcripts: non-coding transcript variant (5), intron variant (1).
Genome position (GRCh38, 1-based): chr2:47,803,578, A>G. VCF-style: chr2-47803578-A-G. GRCh37 (hg19) VCF-style: chr2-48030717-A-G.
Other names: c.2941A>G, p.Asn981Asp (NM_001281492.2); c.2425A>G, p.Asn809Asp (NM_001281493.2, NM_001281494.2, NM_001406811.1 and 6 more transcripts); c.3427A>G, p.Asn1143Asp (NM_001406795.1, NM_001406802.1); c.3331A>G, p.Asn1111Asp (NM_001406796.1, NM_001406800.1, NM_001406808.1 and 1 more transcripts); c.3034A>G, p.Asn1012Asp (NM_001406797.1, NM_001406801.1, NM_001406805.1 and 10 more transcripts); c.2806A>G, p.Asn936Asp (NM_001406799.1, NM_001406806.1, NM_001406807.1); c.2467A>G, p.Asn823Asp (NM_001406803.1); c.3253A>G, p.Asn1085Asp (NM_001406804.1); and 7 more; short protein forms N1012D, N1055D, N1113D, N936D, N1085D, N1143D, N38D, N589D.
Identifiers: ClinVar variation 3398927 (VCV003398927.1).

ClinVar aggregate classification (germline): Uncertain significance (1 of 4 stars; one submission).

Conditions:
Hereditary cancer-predisposing syndrome. Also called: Hereditary Cancer Syndrome; Tumor predisposition; Hereditary neoplastic syndrome; Neoplastic Syndromes, Hereditary. Identifiers: Orphanet 140162, MedGen C0027672, MeSH D009386, MONDO:0015356.

Submission:

Ambry Genetics
Classification: Uncertain significance for Hereditary cancer-predisposing syndrome. Last evaluated: 2024-09-23. Review status: criteria provided, single submitter. Criteria: Ambry Variant Classification Scheme 2023. Collection method: clinical testing. Allele origin: germline.
Comment: The p.N1111D variant (also known as c.3331A>G), located in coding exon 5 of the MSH6 gene, results from an A to G substitution at nucleotide position 3331. The asparagine at codon 1111 is replaced by aspartic acid, an amino acid with highly similar properties. This amino acid position is conserved. In addition, this alteration is predicted to be deleterious by in silico analysis. Based on the available evidence, the clinical significance of this variant remains unclear.